The following is an entry in ClinVar:

ClinVar aggregate classification (germline): Uncertain significance (1 of 4 stars; one submission).

Submission:

Labcorp Genetics (formerly Invitae), Labcorp
Classification: Uncertain significance. Last evaluated: 2024-07-23. Review status: criteria provided, single submitter. Criteria: Invitae Variant Classification Sherloc (09022015). Collection method: clinical testing. Allele origin: germline.
Comment: This sequence change replaces alanine, which is neutral and non-polar, with valine, which is neutral and non-polar, at codon 1280 of the C3 protein (p.Ala1280Val). This variant is present in population databases (rs781324248, gnomAD 0.0009%). This variant has not been reported in the literature in individuals affected with C3-related conditions. Advanced modeling of protein sequence and biophysical properties (such as structural, functional, and spatial information, amino acid conservation, physicochemical variation, residue mobility, and thermodynamic stability) performed at Invitae indicates that this missense variant is expected to disrupt C3 protein function with a positive predictive value of 80%. In summary, the available evidence is currently insufficient to determine the role of this variant in disease. Therefore, it has been classified as a Variant of Uncertain Significance.

NM_000064.4(C3):c.3839C>T (p.Ala1280Val)

Gene: C3 (complement C3; minus strand). Cytogenetic location: 19p13.3.
Variant type: single nucleotide variant.
Coding change: c.3839C>T on transcript NM_000064.4 (MANE Select); coding-DNA position 3839, C replaced by T.
Protein change: p.Ala1280Val; replaces alanine 1280 with valine.
Molecular consequence: missense variant.
Genome position (GRCh38, 1-based): chr19:6,685,118, G>A on the plus strand (C>T on the coding strand, the complement: C3 is on the minus strand). VCF-style: chr19-6685118-G-A. GRCh37 (hg19) VCF-style: chr19-6685129-G-A.
Other names: short protein forms A1280V.
Identifiers: ClinVar variation 3622593 (VCV003622593.2).
Genomic context (GRCh38, chr19:6,685,118, plus strand): 5'-AGTTGGAGGGACACATCAAGGTTCAGTTCCTGGTGGTCAGGGGCGTCCTTTTGGTATTGA[G>A]CCAAGGCTTGGAACACCATGAAGGTGGCCTAGAACCCACAAGAGAGAAAGATGGTGATCT-3'
Protein context (NP_000055.2, residues 1270-1290): QATFMVFQAL[Ala1280Val]QYQKDAPDHQ